The following is an entry in ClinVar:

ClinVar aggregate classification (germline): Pathogenic. Review status: criteria provided, single submitter (1 of 4 stars). 2 submissions from 2 submitters: Pathogenic (1). 1 of the submissions does not count toward it. Last evaluated 2022-10-28.

Conditions:
Neurofibromatosis, type 1 (NF1). Also called: VON RECKLINGHAUSEN DISEASE; NEUROFIBROMATOSIS, TYPE I, SOMATIC; Peripheral type neurofibromatosis; Neurofibromatosis, type I. Identifiers: Orphanet 636, MedGen C0027831, MONDO:0018975, OMIM 162200. Disease mechanism: loss of function.

Allele frequency attached by ClinVar (database versions not stated): gnomAD exomes below 0.00001.
gnomAD v4.1: 1 of 1,611,672 alleles (0.000062%); highest among the groups gnomAD compares: Non-Finnish European, 0.000085%; no homozygotes.

Submissions (2):

Labcorp Genetics (formerly Invitae), Labcorp
Classification: Pathogenic for Neurofibromatosis, type 1. Last evaluated: 2022-10-28. Review status: criteria provided, single submitter. Criteria: Invitae Variant Classification Sherloc (09022015). Collection method: clinical testing. Allele origin: germline.
Comment: Disruption of this splice site has been observed in individuals with neurofibromatosis type 1 (PMID: 10712197; Invitae). This variant is not present in population databases (gnomAD no frequency). This sequence change affects an acceptor splice site in intron 43 of the NF1 gene. It is expected to disrupt RNA splicing. Variants that disrupt the donor or acceptor splice site typically lead to a loss of protein function (PMID: 16199547), and loss-of-function variants in NF1 are known to be pathogenic (PMID: 10712197, 23913538). ClinVar contains an entry for this variant (Variation ID: 457803). For these reasons, this variant has been classified as Pathogenic. Algorithms developed to predict the effect of sequence changes on RNA splicing suggest that this variant may disrupt the consensus splice site.

Beijing Key Laboratory for Genetic Research of Skeletal Deformity, Peking Union Medical College Hospital
Classification: Likely pathogenic for Neurofibromatosis, type 1. Last evaluated: 2019-05-31. Review status: no assertion criteria provided. Collection method: research. Allele origin: unknown. Affected: yes. Not counted in ClinVar's aggregate classification.

Literature cited by the submitters: PubMed 10712197 (cited by Labcorp Genetics (formerly Invitae), Labcorp); PubMed 16199547 (cited by Labcorp Genetics (formerly Invitae), Labcorp); PubMed 23913538 (cited by Labcorp Genetics (formerly Invitae), Labcorp).

NM_001042492.3(NF1):c.6705-1G>A

Gene: NF1 (neurofibromin 1; plus strand). Cytogenetic location: 17q11.2.
Variant type: single nucleotide variant.
Coding change: c.6705-1G>A on transcript NM_001042492.3 (MANE Select); the canonical splice acceptor site of the intron before coding-DNA position 6705, G replaced by A.
Molecular consequence: splice acceptor variant.
Genome position (GRCh38, 1-based): chr17:31,338,024, G>A. VCF-style: chr17-31338024-G-A. GRCh37 (hg19) VCF-style: chr17-29665042-G-A.
Other names: c.6642-1G>A (NM_000267.4).
Identifiers: ClinVar variation 457803 (VCV000457803.6), dbSNP rs1060500356, ClinGen allele CA399013972.